The following is an entry in ClinVar:

NM_005219.5(DIAPH1):c.2815G>A (p.Ala939Thr)

Gene: DIAPH1 (diaphanous related formin 1; minus strand). Cytogenetic location: 5q31.3.
Variant type: single nucleotide variant.
Coding change: c.2815G>A on transcript NM_005219.5 (MANE Select); coding-DNA position 2815, G replaced by A.
Protein change: p.Ala939Thr; replaces alanine 939 with threonine.
Molecular consequence: missense variant.
Genome position (GRCh38, 1-based): chr5:141,528,905, C>T on the plus strand (G>A on the coding strand, the complement: DIAPH1 is on the minus strand). VCF-style: chr5-141528905-C-T. GRCh37 (hg19) VCF-style: chr5-140908472-C-T.
Other names: c.2788G>A, p.Ala930Thr (NM_001079812.3); c.2815G>A, p.Ala939Thr (NM_001314007.2); short protein forms A930T, A939T.
Identifiers: ClinVar variation 3757593 (VCV003757593.2).

ClinVar aggregate classification (germline): Uncertain significance (1 of 4 stars; one submission).

Conditions:
Autosomal dominant nonsyndromic hearing loss 1. Also called: KONIGSMARK SYNDROME; DEAFNESS, AUTOSOMAL DOMINANT 1, WITH OR WITHOUT THROMBOCYTOPENIA. Identifiers: Orphanet 90635, MedGen C1852282, MONDO:0007424, OMIM 124900.
Progressive microcephaly-seizures-cortical blindness-developmental delay syndrome. Also called: Seizures, cortical blindness, and microcephaly syndrome. Identifiers: Orphanet 477814, MedGen C5567650, MONDO:0014714, OMIM 616632.

gnomAD v4.1: 1 of 1,614,110 alleles (0.000062%); highest among the groups gnomAD compares: Non-Finnish European, 0.000085%; no homozygotes.

Submission:

Labcorp Genetics (formerly Invitae), Labcorp
Classification: Uncertain significance for Progressive microcephaly-seizures-cortical blindness-developmental delay syndrome; Autosomal dominant nonsyndromic hearing loss 1. Last evaluated: 2024-08-08. Review status: criteria provided, single submitter. Criteria: Invitae Variant Classification Sherloc (09022015). Collection method: clinical testing. Allele origin: germline.
Comment: This sequence change replaces alanine, which is neutral and non-polar, with threonine, which is neutral and polar, at codon 939 of the DIAPH1 protein (p.Ala939Thr). This variant is not present in population databases (gnomAD no frequency). This variant has not been reported in the literature in individuals affected with DIAPH1-related conditions. An algorithm developed to predict the effect of missense changes on protein structure and function (PolyPhen-2) suggests that this variant is likely to be disruptive. In summary, the available evidence is currently insufficient to determine the role of this variant in disease. Therefore, it has been classified as a Variant of Uncertain Significance.